The following is an entry in ClinVar:

ClinVar aggregate classification (germline): Uncertain significance. Review status: criteria provided, multiple submitters, no conflicts (2 of 4 stars). 3 submissions from 3 submitters: Uncertain significance (3). Last evaluated 2025-03-26.

Conditions:
Inborn genetic diseases. Identifiers: MedGen C0950123, MeSH D030342.

Allele frequency attached by ClinVar (database versions not stated): gnomAD exomes 0.00001; gnomAD 0.00002; TOPMed 0.00003.
gnomAD v4.1: 6 of 1,612,380 alleles (0.00037%); highest among the groups gnomAD compares: Non-Finnish European, 0.00042%; no homozygotes.

Submissions (3):

Ambry Genetics
Classification: Uncertain significance for Inborn genetic diseases. Last evaluated: 2025-03-26. Review status: criteria provided, single submitter. Criteria: Ambry Variant Classification Scheme 2023. Collection method: clinical testing. Allele origin: germline.

Blueprint Genetics
Classification: Uncertain significance. Last evaluated: 2021-12-20. Review status: criteria provided, single submitter. Criteria: ACMG Guidelines, 2015. Collection method: clinical testing. Allele origin: germline.

Labcorp Genetics (formerly Invitae), Labcorp
Classification: Uncertain significance. Last evaluated: 2021-09-01. Review status: criteria provided, single submitter. Criteria: Invitae Variant Classification Sherloc (09022015). Collection method: clinical testing. Allele origin: germline.
Comment: This sequence change replaces valine with phenylalanine at codon 1772 of the LRP2 protein (p.Val1772Phe). The valine residue is highly conserved and there is a small physicochemical difference between valine and phenylalanine. This variant is not present in population databases (ExAC no frequency). This variant has not been reported in the literature in individuals affected with LRP2-related conditions. Advanced modeling of protein sequence and biophysical properties (such as structural, functional, and spatial information, amino acid conservation, physicochemical variation, residue mobility, and thermodynamic stability) performed at Invitae indicates that this missense variant is expected to disrupt LRP2 protein function. In summary, the available evidence is currently insufficient to determine the role of this variant in disease. Therefore, it has been classified as a Variant of Uncertain Significance.

NM_004525.3(LRP2):c.5314G>T (p.Val1772Phe)

Gene: LRP2 (LDL receptor related protein 2; minus strand). Cytogenetic location: 2q31.1.
Variant type: single nucleotide variant.
Coding change: c.5314G>T on transcript NM_004525.3 (MANE Select); coding-DNA position 5314, G replaced by T.
Protein change: p.Val1772Phe; replaces valine 1772 with phenylalanine.
Molecular consequence: missense variant.
Genome position (GRCh38, 1-based): chr2:169,226,502, C>A on the plus strand (G>T on the coding strand, the complement: LRP2 is on the minus strand). VCF-style: chr2-169226502-C-A. GRCh37 (hg19) VCF-style: chr2-170083012-C-A.
Other names: c.5314G>T (NM_004525.2); short protein forms V1772F.
Identifiers: ClinVar variation 1390960 (VCV001390960.7), dbSNP rs887600570, ClinGen allele CA59908154.
Genomic context (GRCh38, chr2:169,226,502, plus strand): 5'-TGTATTGCTCAGCATCATCAAATTCAACATCTAAACCATTCTGTATCCCTGCTATGGGGA[C>A]CATAGCATCATTGCTCTTCACCTCAGGATTAAGGGAGATTCCAAAAATTATATGTTGCCT-3'
Protein context (NP_004516.2, residues 1762-1782): NPEVKSNDAM[Val1772Phe]PIAGIQNGLD